The following is an entry in ClinVar:

NM_015896.4(ZMYND10):c.145G>A (p.Asp49Asn)

Gene: ZMYND10 (zinc finger MYND-type containing 10; minus strand). Cytogenetic location: 3p21.31.
Variant type: single nucleotide variant.
Coding change: c.145G>A on transcript NM_015896.4 (MANE Select); coding-DNA position 145, G replaced by A.
Protein change: p.Asp49Asn; replaces aspartic acid 49 with asparagine.
Molecular consequence: missense variant.
Genome position (GRCh38, 1-based): chr3:50,345,180, C>T on the plus strand (G>A on the coding strand, the complement: ZMYND10 is on the minus strand). VCF-style: chr3-50345180-C-T. GRCh37 (hg19) VCF-style: chr3-50382611-C-T.
Other names: c.145G>A, p.Asp49Asn (NM_001308379.2); short protein forms D49N.
Identifiers: ClinVar variation 1062043 (VCV001062043.5), dbSNP rs1486742632, ClinGen allele CA352945623.

ClinVar aggregate classification (germline): Uncertain significance (1 of 4 stars; one submission).

Conditions:
Primary ciliary dyskinesia. Also called: Ciliary dyskinesia. Identifiers: Orphanet 244, MedGen C0008780, MONDO:0016575, HP:0012265.

Allele frequency attached by ClinVar (database versions not stated): TOPMed 0.00001.

Submission:

Labcorp Genetics (formerly Invitae), Labcorp
Classification: Uncertain significance for Primary ciliary dyskinesia. Last evaluated: 2020-04-14. Review status: criteria provided, single submitter. Criteria: Invitae Variant Classification Sherloc (09022015). Collection method: clinical testing. Allele origin: germline.
Comment: This sequence change replaces aspartic acid with asparagine at codon 49 of the ZMYND10 protein (p.Asp49Asn). The aspartic acid residue is moderately conserved and there is a small physicochemical difference between aspartic acid and asparagine. In summary, the available evidence is currently insufficient to determine the role of this variant in disease. Therefore, it has been classified as a Variant of Uncertain Significance. Algorithms developed to predict the effect of missense changes on protein structure and function (SIFT, PolyPhen-2, Align-GVGD) all suggest that this variant is likely to be tolerated, but these predictions have not been confirmed by published functional studies and their clinical significance is uncertain. This variant has not been reported in the literature in individuals with ZMYND10-related conditions. This variant is not present in population databases (ExAC no frequency).